The following is an entry in ClinVar:

NM_001384474.1(LOXHD1):c.2713G>T (p.Glu905Ter)

Gene: LOXHD1 (lipoxygenase homology PLAT domains 1; minus strand). Cytogenetic location: 18q21.1.
Variant type: single nucleotide variant.
Coding change: c.2713G>T on transcript NM_001384474.1 (MANE Select); coding-DNA position 2713, G replaced by T.
Protein change: p.Glu905Ter; replaces glutamic acid 905 with a stop codon.
Molecular consequence: nonsense.
Genome position (GRCh38, 1-based): chr18:46,560,431, C>A on the plus strand (G>T on the coding strand, the complement: LOXHD1 is on the minus strand). VCF-style: chr18-46560431-C-A. GRCh37 (hg19) VCF-style: chr18-44140394-C-A.
Other names: c.2713G>T, p.Glu905Ter (NM_144612.7); c.2713G>T (NM_144612.6); short protein forms E905*.
Identifiers: ClinVar variation 2733866 (VCV002733866.5), dbSNP rs753195267, ClinGen allele CA402371573.
Genomic context (GRCh38, chr18:46,560,431, plus strand): 5'-GCCGCAGCTTGTCCTTCTCCTTCTTCTTCCGGGCCTCCTCCTCCGGCGTGAGGTCCACCT[C>A]CCGCACCACCAGGTGCCGCAGCCACACGGTGTCCACGAACCAGCTGGGCCCAAAGCCCTC-3'

ClinVar aggregate classification (germline): Pathogenic/Likely pathogenic. Review status: criteria provided, multiple submitters, no conflicts (2 of 4 stars). 3 submissions from 3 submitters: Pathogenic (1); Likely pathogenic (2). Last evaluated 2025-06-23.

Conditions:
Autosomal recessive nonsyndromic hearing loss 77. Identifiers: Orphanet 90636, MedGen C2746083, MONDO:0013119, OMIM 613079.

Submissions (3):

Natera, Inc.
Classification: Likely pathogenic for Autosomal recessive deafness type 77. Last evaluated: 2025-06-23. Review status: criteria provided, single submitter. Criteria: Natera Variant Classification Schema (03/2026). Collection method: clinical testing. Allele origin: germline.
Comment: The c.2713G>T variant in LOXHD1 is a nonsense variant predicted to introduce a stop codon at amino acid 905. This variant is expected to result in nonsense mediated decay, truncation, or a dysfunctional protein product. This variant is rare in the general population with a frequency below the threshold expected for the associated phenotype(s). Given the available evidence, this variant is classified as Likely Pathogenic.

Labcorp Genetics (formerly Invitae), Labcorp
Classification: Pathogenic. Last evaluated: 2023-05-26. Review status: criteria provided, single submitter. Criteria: Invitae Variant Classification Sherloc (09022015). Collection method: clinical testing. Allele origin: germline.
Comment: For these reasons, this variant has been classified as Pathogenic. This variant has not been reported in the literature in individuals affected with LOXHD1-related conditions. This variant is not present in population databases (gnomAD no frequency). This sequence change creates a premature translational stop signal (p.Glu905*) in the LOXHD1 gene. It is expected to result in an absent or disrupted protein product. Loss-of-function variants in LOXHD1 are known to be pathogenic (PMID: 19732867, 21465660, 25792669).

Juno Genomics, Hangzhou Juno Genomics, Inc
Classification: Likely pathogenic for Autosomal recessive nonsyndromic hearing loss 77. Review status: criteria provided, single submitter. Criteria: ACMG Guidelines, 2015. Collection method: clinical testing. Allele origin: germline. Affected: yes.
Comment: Absent from controls (or at extremely low frequency if recessive) in Genome Aggregation Database, Exome Sequencing Project, 1000 Genomes Project, or Exome Aggregation Consortium.;Null variant in a gene where loss of function (LOF) is a known mechanism of disease.

Literature cited by the submitters: PubMed 19732867 (cited by Labcorp Genetics (formerly Invitae), Labcorp); PubMed 21465660 (cited by Labcorp Genetics (formerly Invitae), Labcorp); PubMed 25792669 (cited by Labcorp Genetics (formerly Invitae), Labcorp).